The following is an entry in ClinVar:

NM_004370.6(COL12A1):c.1682C>A (p.Ala561Glu)

Gene: COL12A1 (collagen type XII alpha 1 chain; minus strand). Cytogenetic location: 6q13.
Variant type: single nucleotide variant.
Coding change: c.1682C>A on transcript NM_004370.6 (MANE Select); coding-DNA position 1682, C replaced by A.
Protein change: p.Ala561Glu; replaces alanine 561 with glutamic acid.
Molecular consequence: missense variant. On other transcripts: intron variant (2).
Genome position (GRCh38, 1-based): chr6:75,183,259, G>T on the plus strand (C>A on the coding strand, the complement: COL12A1 is on the minus strand). VCF-style: chr6-75183259-G-T. GRCh37 (hg19) VCF-style: chr6-75892975-G-T.
Other names: c.1682C>A, p.Ala561Glu (NM_001424113.1, NM_001424114.1, NM_001424115.1); c.73+19461C>A (NM_001424116.1, NM_080645.3); short protein forms A561E.
Identifiers: ClinVar variation 2946194 (VCV002946194.3), dbSNP rs1344964508, ClinGen allele CA364769004.

ClinVar aggregate classification (germline): Uncertain significance (1 of 4 stars; one submission).

Conditions:
Ullrich congenital muscular dystrophy 2 (UCMD2). Identifiers: Orphanet 75840, MedGen C4225314, MONDO:0014654, OMIM 616470.
Bethlem myopathy 2 (BTHLM2). Identifiers: Orphanet 536516, Orphanet 610, MedGen C4225313, MONDO:0034022, OMIM 616471.

gnomAD v4.1: 5 of 1,614,098 alleles (0.00031%); highest among the groups gnomAD compares: East Asian, 0.0045%; no homozygotes.

Submission:

Labcorp Genetics (formerly Invitae), Labcorp
Classification: Uncertain significance for Bethlem myopathy 2; Ullrich congenital muscular dystrophy 2. Last evaluated: 2025-11-18. Review status: criteria provided, single submitter. Criteria: Invitae Variant Classification Sherloc (09022015). Collection method: clinical testing. Allele origin: germline.
Comment: This sequence change replaces alanine, which is neutral and non-polar, with glutamic acid, which is acidic and polar, at codon 561 of the COL12A1 protein (p.Ala561Glu). This variant is not present in population databases (gnomAD no frequency). This variant has not been reported in the literature in individuals affected with COL12A1-related conditions. ClinVar contains an entry for this variant (Variation ID: 2946194). Invitae Evidence Modeling of protein sequence and biophysical properties (such as structural, functional, and spatial information, amino acid conservation, physicochemical variation, residue mobility, and thermodynamic stability) has been performed for this missense variant. However, the output from this modeling did not meet the statistical confidence thresholds required to predict the impact of this variant on COL12A1 protein function. In summary, the available evidence is currently insufficient to determine the role of this variant in disease. Therefore, it has been classified as a Variant of Uncertain Significance.